The following is an entry in ClinVar:

NM_000390.4(CHM):c.1327_1328del (p.Met443fs)

Gene: CHM (CHM Rab escort protein; minus strand). Cytogenetic location: Xq21.2.
Variant type: Deletion.
Coding change: c.1327_1328del on transcript NM_000390.4 (MANE Select); coding-DNA positions 1327 to 1328, 2 bases deleted (AT; older notation c.1327_1328delAT).
Protein change: p.Met443fs; shifts the reading frame from methionine 443.
Molecular consequence: frameshift variant.
Genome position (GRCh38, 1-based): chrX:85,901,105-85,901,106, AT deleted on the plus strand (AT on the coding strand, the reverse complement: CHM is on the minus strand). VCF-style (leftmost placement, unchanged base first): chrX-85901104-CAT-C. GRCh37 (hg19) VCF-style: chrX-85156109-CAT-C.
Other names: c.883_884del, p.Met295fs (NM_001320959.1, NM_001362517.1, NM_001362518.2 and 1 more transcripts); short protein forms M443fs, M295fs.
Identifiers: ClinVar variation 2138622 (VCV002138622.4), dbSNP rs2520097855, ClinGen allele CA2580102025.

ClinVar aggregate classification (germline): Pathogenic (1 of 4 stars; one submission).

Submission:

Labcorp Genetics (formerly Invitae), Labcorp
Classification: Pathogenic. Last evaluated: 2025-06-04. Review status: criteria provided, single submitter. Criteria: Invitae Variant Classification Sherloc (09022015). Collection method: clinical testing. Allele origin: germline.
Comment: This sequence change creates a premature translational stop signal (p.Met443Valfs*18) in the CHM gene. It is expected to result in an absent or disrupted protein product. Loss-of-function variants in CHM are known to be pathogenic (PMID: 9067750, 23811034). This variant is not present in population databases (gnomAD no frequency). This premature translational stop signal has been observed in individual(s) with choroideremia (PMID: 20027300). ClinVar contains an entry for this variant (Variation ID: 2138622). For these reasons, this variant has been classified as Pathogenic.

Literature cited by the submitters: PubMed 9067750; PubMed 23811034; PubMed 20027300.